The following is an entry in ClinVar:

ClinVar aggregate classification (germline): Benign/Likely benign. Review status: criteria provided, multiple submitters, no conflicts (2 of 4 stars). 4 submissions from 4 submitters: Benign (2); Likely benign (2). Last evaluated 2026-01-09.

Allele frequency attached by ClinVar (database versions not stated): gnomAD exomes 0.00028; ExAC 0.00034; ESP Exome Variant Server 0.00073; 1000 Genomes Project 0.00080; gnomAD 0.00088 and 0.00095; TOPMed 0.00108; 1000 Genomes Project 30x 0.00109.
gnomAD v4.1: 255 of 1,605,000 alleles (0.016%); highest among the groups gnomAD compares: African/African-American, 0.32%; no homozygotes.

Submissions (4):

Labcorp Genetics (formerly Invitae), Labcorp
Classification: Benign. Last evaluated: 2026-01-09. Review status: criteria provided, single submitter. Criteria: Invitae Variant Classification Sherloc (09022015). Collection method: clinical testing. Allele origin: germline.

Blueprint Genetics
Classification: Likely benign. Last evaluated: 2024-11-20. Review status: criteria provided, single submitter. Criteria: ACMG Guidelines, 2015. Collection method: clinical testing. Allele origin: germline.

GeneDx
Classification: Likely benign. Last evaluated: 2021-11-24. Review status: criteria provided, single submitter. Criteria: GeneDx Variant Classification Process June 2021. Collection method: clinical testing. Allele origin: germline. Affected: yes.
Comment: See Variant Classification Assertion Criteria.

Laboratory for Molecular Medicine, Mass General Brigham Personalized Medicine
Classification: Benign. Last evaluated: 2016-10-25. Review status: criteria provided, single submitter. Criteria: LMM Criteria. Collection method: clinical testing. Allele origin: germline. Observed: 2 variant alleles.
Comment: 7660+13C>T in Intron 54 of CDH23: This variant is not expected to have clinical significance because it is not located within the conserved splice consensus seq uence and has been identified in 0.4% (40/9782) of African chromosomes by the Ex ome Aggregation Consortium (ExAC; dbSNP rs374011 250).

NM_022124.6(CDH23):c.7660+13C>T

Gene: CDH23 (cadherin related 23; plus strand). Cytogenetic location: 10q22.1.
Variant type: single nucleotide variant.
Coding change: c.7660+13C>T on transcript NM_022124.6 (MANE Select); 13 bases into the intron after coding-DNA position 7660, C replaced by T.
Molecular consequence: intron variant.
Genome position (GRCh38, 1-based): chr10:71,803,088, C>T. VCF-style: chr10-71803088-C-T. GRCh37 (hg19) VCF-style: chr10-73562845-C-T.
Other names: c.940+13C>T (NM_001171933.1, NM_001171934.1).
Identifiers: ClinVar variation 162944 (VCV000162944.14), dbSNP rs374011250, ClinGen allele CA175521.